The following is an entry in ClinVar:

ClinVar aggregate classification (germline): Benign/Likely benign. Review status: criteria provided, multiple submitters, no conflicts (2 of 4 stars). 3 submissions from 3 submitters: Benign (1); Likely benign (2). Last evaluated 2025-07-20.

Allele frequency attached by ClinVar (database versions not stated): gnomAD exomes 0.00031; ExAC 0.00042; 1000 Genomes Project 30x 0.00047; 1000 Genomes Project 0.00060; gnomAD 0.00111 and 0.00120; TOPMed 0.00116; ESP Exome Variant Server 0.00161.
gnomAD v4.1: 369 of 1,610,448 alleles (0.023%); highest among the groups gnomAD compares: African/African-American, 0.42%; 3 homozygotes.

Submissions (3):

Labcorp Genetics (formerly Invitae), Labcorp
Classification: Benign. Last evaluated: 2025-07-20. Review status: criteria provided, single submitter. Criteria: Invitae Variant Classification Sherloc (09022015). Collection method: clinical testing. Allele origin: germline.

CeGaT Center for Human Genetics Tuebingen
Classification: Likely benign. Last evaluated: 2023-01-01. Review status: criteria provided, single submitter. Criteria: CeGaT Center For Human Genetics Tuebingen Variant Classification Criteria Version 2. Collection method: clinical testing. Allele origin: germline. Affected: yes. Observed: 1 variant allele.
Comment: SEMA3A: BP4, BP7

GeneDx
Classification: Likely benign. Last evaluated: 2021-05-06. Review status: criteria provided, single submitter. Criteria: GeneDx Variant Classification Process June 2021. Collection method: clinical testing. Allele origin: germline. Affected: yes.

NM_006080.3(SEMA3A):c.87G>A (p.Val29=)

Gene: SEMA3A (semaphorin 3A; minus strand). Cytogenetic location: 7q21.11.
Variant type: single nucleotide variant.
Coding change: c.87G>A on transcript NM_006080.3 (MANE Select); coding-DNA position 87, G replaced by A.
Protein change: p.Val29=; no amino-acid change (valine 29 retained).
Molecular consequence: synonymous variant.
Genome position (GRCh38, 1-based): chr7:84,194,500, C>T on the plus strand (G>A on the coding strand, the complement: SEMA3A is on the minus strand). VCF-style: chr7-84194500-C-T. GRCh37 (hg19) VCF-style: chr7-83823816-C-T.
Identifiers: ClinVar variation 712002 (VCV000712002.33), dbSNP rs148517507, ClinGen allele CA4323124.